The following is an entry in ClinVar:

NM_001048174.2(MUTYH):c.347C>T (p.Thr116Ile)

Gene: MUTYH (mutY DNA glycosylase; minus strand). Cytogenetic location: 1p34.1.
Variant type: single nucleotide variant.
Coding change: c.347C>T on transcript NM_001048174.2 (MANE Select); coding-DNA position 347, C replaced by T.
Protein change: p.Thr116Ile; replaces threonine 116 with isoleucine.
Molecular consequence: missense variant. On other transcripts: non-coding transcript variant (6), intron variant (3).
Genome position (GRCh38, 1-based): chr1:45,333,128, G>A on the plus strand (C>T on the coding strand, the complement: MUTYH is on the minus strand). VCF-style: chr1-45333128-G-A. GRCh37 (hg19) VCF-style: chr1-45798800-G-A.
Other names: c.350C>T, p.Thr117Ile (NM_001407071.1, NM_001407078.1, NM_001407079.1 and 2 more transcripts); c.347C>T, p.Thr116Ile (NM_001407072.1, NM_001407080.1, NM_001407081.1 and 6 more transcripts); c.389C>T, p.Thr130Ile (NM_001407073.1, NM_001407083.1, NM_001407085.1); c.263C>T, p.Thr88Ile (NM_001407075.1); c.380C>T, p.Thr127Ile (NM_001407077.1, NM_001293191.2); c.33+157C>T (NM_001350651.2, NM_001350650.2, NM_001407082.1); c.431C>T, p.Thr144Ile (NM_001128425.2); c.392C>T, p.Thr131Ile (NM_001293190.2); and 3 more; short protein forms T127I, T130I, T131I, T144I, T123I, T88I, T117I, T24I.
Identifiers: ClinVar variation 5024983 (VCV005024983.1).
Genomic context (GRCh38, chr1:45,333,128, plus strand): 5'-TGACCCTTCCCTTCCTCCCCTGGAGTCACCTGCATCCATCCGGTATAGTAGTTGATCACA[G>A]TGGCAACCTGGGTCTGCTGCAGCATGACCTCTGAGACCCACACTGGGGGAAAGGGGTTGG-3'
Protein context (NP_001041639.1, residues 106-126): EVMLQQTQVA[Thr116Ile]VINYYTGWMQ

ClinVar aggregate classification (germline): Uncertain significance (1 of 4 stars; one submission).

Conditions:
Hereditary cancer-predisposing syndrome. Also called: Neoplastic Syndromes, Hereditary; Tumor predisposition; Hereditary neoplastic syndrome; Hereditary Cancer Syndrome. Identifiers: Orphanet 140162, MedGen C0027672, MeSH D009386, MONDO:0015356.

Submission:

Ambry Genetics
Classification: Uncertain significance for Hereditary cancer-predisposing syndrome. Last evaluated: 2026-07-17. Review status: criteria provided, single submitter. Criteria: Ambry Variant Classification Scheme 2023. Collection method: clinical testing. Allele origin: germline.
Comment: The p.T144I variant (also known as c.431C>T), located in coding exon 5 of the MUTYH gene, results from a C to T substitution at nucleotide position 431. The threonine at codon 144 is replaced by isoleucine, an amino acid with similar properties. This amino acid position is well conserved in available vertebrate species. In addition, this alteration is predicted to be deleterious by in silico analysis. Based on the available evidence, the clinical significance of this variant remains unclear.